The following is an entry in ClinVar:

ClinVar aggregate classification (germline): Pathogenic (1 of 4 stars; one submission).

Submission:

Labcorp Genetics (formerly Invitae), Labcorp
Classification: Pathogenic. Last evaluated: 2024-04-07. Review status: criteria provided, single submitter. Criteria: Invitae Variant Classification Sherloc (09022015). Collection method: clinical testing. Allele origin: germline.
Comment: This sequence change creates a premature translational stop signal (p.Pro994Hisfs*93) in the PTPN23 gene. It is expected to result in an absent or disrupted protein product. Loss-of-function variants in PTPN23 are known to be pathogenic (PMID: 29090338, 29899372). This variant is not present in population databases (gnomAD no frequency). This variant has not been reported in the literature in individuals affected with PTPN23-related conditions. For these reasons, this variant has been classified as Pathogenic.

Literature cited by the submitters: PubMed 29090338; PubMed 29899372.

NM_015466.4(PTPN23):c.2980_2981insACAATCCCCCTACCCC (p.Pro994fs)

Gene: PTPN23 (protein tyrosine phosphatase non-receptor type 23; plus strand). Cytogenetic location: 3p21.31.
Variant type: Insertion.
Coding change: c.2980_2981insACAATCCCCCTACCCC on transcript NM_015466.4 (MANE Select); coding-DNA positions 2980 to 2981, ACAATCCCCCTACCCC inserted.
Protein change: p.Pro994fs; shifts the reading frame from proline 994.
Molecular consequence: frameshift variant.
Genome position: GRCh38 VCF-style: chr3-47410770-T-TCCTACCCCACAATCCC. GRCh37 (hg19) VCF-style: chr3-47452260-T-TCCTACCCCACAATCCC.
Other names: c.2602_2603insACAATCCCCCTACCCC, p.Pro868fs (NM_001304482.2); short protein forms P868fs, P994fs.
Identifiers: ClinVar variation 3646494 (VCV003646494.2).